The following is an entry in ClinVar:

ClinVar aggregate classification (germline): Likely pathogenic (1 of 4 stars; one submission).

Submission:

Labcorp Genetics (formerly Invitae), Labcorp
Classification: Likely pathogenic. Last evaluated: 2023-06-29. Review status: criteria provided, single submitter. Criteria: Invitae Variant Classification Sherloc (09022015). Collection method: clinical testing. Allele origin: germline.
Comment: In summary, the currently available evidence indicates that the variant is pathogenic, but additional data are needed to prove that conclusively. Therefore, this variant has been classified as Likely Pathogenic. Algorithms developed to predict the effect of sequence changes on RNA splicing suggest that this variant may disrupt the consensus splice site. This variant has not been reported in the literature in individuals affected with CDH23-related conditions. This variant is not present in population databases (gnomAD no frequency). This sequence change affects an acceptor splice site in intron 21 of the CDH23 gene. It is expected to disrupt RNA splicing. Variants that disrupt the donor or acceptor splice site typically lead to a loss of protein function (PMID: 16199547), and loss-of-function variants in CDH23 are known to be pathogenic (PMID: 11138009, 21940737).

Literature cited by the submitters: PubMed 16199547; PubMed 11138009; PubMed 21940737.

NM_022124.6(CDH23):c.2290-1G>A

Gene: CDH23 (cadherin related 23; plus strand). Cytogenetic location: 10q22.1.
Variant type: single nucleotide variant.
Coding change: c.2290-1G>A on transcript NM_022124.6 (MANE Select); the canonical splice acceptor site of the intron before coding-DNA position 2290, G replaced by A.
Molecular consequence: splice acceptor variant.
Genome position (GRCh38, 1-based): chr10:71,695,417, G>A. VCF-style: chr10-71695417-G-A. GRCh37 (hg19) VCF-style: chr10-73455174-G-A.
Other names: c.2290-1G>A (NM_001171930.2, NM_001171931.2).
Identifiers: ClinVar variation 2784390 (VCV002784390.3), dbSNP rs2494021553, ClinGen allele CA377136125.
Genomic context (GRCh38, chr10:71,695,417, plus strand): 5'-AGGCCCTGCCCTGGCCCATCTCAGCTGGGTGTGTCTCCCAGCGCCCCTTATGGCTTCACA[G>A]GTAAACATCACCCTCCTGGACATCAATGACAACCACCCCACGTGGAAGGACGCACCCTAC-3'